The following is an entry in ClinVar:

ClinVar aggregate classification (germline): Uncertain significance. Review status: criteria provided, multiple submitters, no conflicts (2 of 4 stars). 2 submissions from 2 submitters: Uncertain significance (2). Last evaluated 2025-08-11.

Conditions:
Familial thoracic aortic aneurysm and aortic dissection (TAAD). Also called: Thoracic aortic aneurysms and dissections. Identifiers: Orphanet 91387, MedGen C4707243, MONDO:0019625.

gnomAD v4.1: 1 of 1,614,182 alleles (0.000062%); no homozygotes.

Submissions (2):

Labcorp Genetics (formerly Invitae), Labcorp
Classification: Uncertain significance for Familial thoracic aortic aneurysm and aortic dissection. Last evaluated: 2025-08-11. Review status: criteria provided, single submitter. Criteria: Invitae Variant Classification Sherloc (09022015). Collection method: clinical testing. Allele origin: germline.
Comment: This sequence change replaces lysine, which is basic and polar, with arginine, which is basic and polar, at codon 264 of the TGFBR2 protein (p.Lys264Arg). This variant is not present in population databases (gnomAD no frequency). This variant has not been reported in the literature in individuals affected with TGFBR2-related conditions. ClinVar contains an entry for this variant (Variation ID: 1399979). Invitae Evidence Modeling of protein sequence and biophysical properties (such as structural, functional, and spatial information, amino acid conservation, physicochemical variation, residue mobility, and thermodynamic stability) indicates that this missense variant is not expected to disrupt TGFBR2 protein function with a negative predictive value of 95%. In summary, the available evidence is currently insufficient to determine the role of this variant in disease. Therefore, it has been classified as a Variant of Uncertain Significance.

Ambry Genetics
Classification: Uncertain significance for Familial thoracic aortic aneurysm and aortic dissection. Last evaluated: 2025-04-13. Review status: criteria provided, single submitter. Criteria: Ambry Variant Classification Scheme 2023. Collection method: clinical testing. Allele origin: germline.
Comment: The p.K264R variant (also known as c.791A>G), located in coding exon 4 of the TGFBR2 gene, results from an A to G substitution at nucleotide position 791. The lysine at codon 264 is replaced by arginine, an amino acid with highly similar properties. This amino acid position is conserved. In addition, this alteration is predicted to be tolerated by in silico analysis. Based on the available evidence, the clinical significance of this variant remains unclear.

NM_003242.6(TGFBR2):c.791A>G (p.Lys264Arg)

Gene: TGFBR2 (transforming growth factor beta receptor 2; plus strand). Cytogenetic location: 3p24.1.
Variant type: single nucleotide variant.
Coding change: c.791A>G on transcript NM_003242.6 (MANE Select); coding-DNA position 791, A replaced by G.
Protein change: p.Lys264Arg; replaces lysine 264 with arginine.
Molecular consequence: missense variant.
Genome position (GRCh38, 1-based): chr3:30,671,974, A>G. VCF-style: chr3-30671974-A-G. GRCh37 (hg19) VCF-style: chr3-30713466-A-G.
Other names: c.866A>G, p.Lys289Arg (NM_001024847.3); c.974A>G, p.Lys325Arg (NM_001407126.1); c.899A>G, p.Lys300Arg (NM_001407127.1); c.818A>G, p.Lys273Arg (NM_001407128.1); c.794A>G, p.Lys265Arg (NM_001407129.1); c.791A>G, p.Lys264Arg (NM_001407130.1); c.686A>G, p.Lys229Arg (NM_001407132.1, NM_001407133.1, NM_001407134.1 and 2 more transcripts); c.506A>G, p.Lys169Arg (NM_001407137.1); and 2 more; short protein forms K289R, K264R, K265R, K273R, K144R, K325R, K169R, K229R.
Identifiers: ClinVar variation 1399979 (VCV001399979.8), dbSNP rs868549326, ClinGen allele CA351807875.
Genomic context (GRCh38, chr3:30,671,974, plus strand): 5'-TTGAGCTGGACACCCTGGTGGGGAAAGGTCGCTTTGCTGAGGTCTATAAGGCCAAGCTGA[A>G]GCAGAACACTTCAGAGCAGTTTGAGACAGTGGCAGTCAAGATCTTTCCCTATGAGGAGTA-3'
Protein context (NP_003233.4, residues 254-274): RFAEVYKAKL[Lys264Arg]QNTSEQFETV